The following is an entry in ClinVar:

ClinVar aggregate classification (germline): Uncertain significance (1 of 4 stars; one submission).

Conditions:
Intellectual developmental disorder, X-linked 99. Also called: Intellectual disability, X-linked 99. Identifiers: Orphanet 777, MedGen C3806746, MONDO:0010487, OMIM 300919.

Submission:

Laboratorio de Genetica e Diagnostico Molecular, Hospital Israelita Albert Einstein
Classification: Uncertain significance for Intellectual developmental disorder, X-linked 99. Last evaluated: 2022-08-02. Review status: criteria provided, single submitter. Criteria: ACMG Guidelines, 2015. Collection method: clinical testing. Allele origin: germline. Affected: yes. Observed: 1 variant allele.
Comment: ACMG classification criteria: PM2 moderated, PP3 supporting

NM_001039591.3(USP9X):c.1541T>C (p.Leu514Pro)

Gene: USP9X (ubiquitin specific peptidase 9 X-linked; plus strand). Cytogenetic location: Xp11.4.
Variant type: single nucleotide variant.
Coding change: c.1541T>C on transcript NM_001039591.3 (MANE Select); coding-DNA position 1541, T replaced by C.
Protein change: p.Leu514Pro; replaces leucine 514 with proline.
Molecular consequence: missense variant.
Genome position (GRCh38, 1-based): chrX:41,148,490, T>C. VCF-style: chrX-41148490-T-C. GRCh37 (hg19) VCF-style: chrX-41007743-T-C.
Other names: c.1541T>C, p.Leu514Pro (NM_001039590.3, NM_001410748.1, NM_001410749.1); short protein forms L514P.
Identifiers: ClinVar variation 2431828 (VCV002431828.1), dbSNP rs2519156315, ClinGen allele CA412772281.